The following is an entry in ClinVar:

ClinVar aggregate classification (germline): Uncertain significance (1 of 4 stars; one submission).

Conditions:
Congenital disorder of glycosylation (CDG). Also called: Carbohydrate-deficient glycoprotein syndrome; Congenital disorders of glycosylation. Identifiers: Orphanet 137, MedGen C0282577, MONDO:0015286.

gnomAD v4.1: 7 of 1,613,786 alleles (0.00043%); highest among the groups gnomAD compares: Middle Eastern, 0.016%; no homozygotes.

Submission:

Labcorp Genetics (formerly Invitae), Labcorp
Classification: Uncertain significance for Congenital disorder of glycosylation. Last evaluated: 2024-08-28. Review status: criteria provided, single submitter. Criteria: Invitae Variant Classification Sherloc (09022015). Collection method: clinical testing. Allele origin: germline.
Comment: This sequence change replaces alanine, which is neutral and non-polar, with valine, which is neutral and non-polar, at codon 239 of the RPN2 protein (p.Ala239Val). This variant is present in population databases (rs369258694, gnomAD 0.006%). This variant has not been reported in the literature in individuals affected with RPN2-related conditions. An algorithm developed to predict the effect of missense changes on protein structure and function (PolyPhen-2) suggests that this variant is likely to be tolerated. In summary, the available evidence is currently insufficient to determine the role of this variant in disease. Therefore, it has been classified as a Variant of Uncertain Significance.

NM_002951.5(RPN2):c.716C>T (p.Ala239Val)

Gene: RPN2 (ribophorin II; plus strand). Cytogenetic location: 20q11.23.
Variant type: single nucleotide variant.
Coding change: c.716C>T on transcript NM_002951.5 (MANE Select); coding-DNA position 716, C replaced by T.
Protein change: p.Ala239Val; replaces alanine 239 with valine.
Molecular consequence: missense variant.
Genome position (GRCh38, 1-based): chr20:37,207,298, C>T. VCF-style: chr20-37207298-C-T. GRCh37 (hg19) VCF-style: chr20-35835701-C-T.
Other names: c.620C>T, p.Ala207Val (NM_001135771.3); c.716C>T, p.Ala239Val (NM_001324299.2, NM_001324302.2, NM_001324303.2 and 1 more transcripts); c.764C>T, p.Ala255Val (NM_001324301.2, NM_001324305.2); c.245C>T, p.Ala82Val (NM_001324306.2); short protein forms A239V, A255V, A82V, A207V.
Identifiers: ClinVar variation 3708111 (VCV003708111.2).